The following is an entry in ClinVar:

NM_004370.6(COL12A1):c.4282C>T (p.Gln1428Ter)

Gene: COL12A1 (collagen type XII alpha 1 chain; minus strand). Cytogenetic location: 6q13.
Variant type: single nucleotide variant.
Coding change: c.4282C>T on transcript NM_004370.6 (MANE Select); coding-DNA position 4282, C replaced by T.
Protein change: p.Gln1428Ter; replaces glutamine 1428 with a stop codon.
Molecular consequence: nonsense.
Genome position (GRCh38, 1-based): chr6:75,148,363, G>A on the plus strand (C>T on the coding strand, the complement: COL12A1 is on the minus strand). VCF-style: chr6-75148363-G-A. GRCh37 (hg19) VCF-style: chr6-75858079-G-A.
Other names: c.790C>T, p.Gln264Ter (NM_080645.3); short protein forms Q264*, Q1428*.
Identifiers: ClinVar variation 2133985 (VCV002133985.4), dbSNP rs2533377088, ClinGen allele CA364745091.
Genomic context (GRCh38, chr6:75,148,363, plus strand): 5'-AGGAGGACCCAATCTCAACATCAGGAAGAAGTAAGTTATAGGTGTTCCTACTCACTTCTT[G>A]ACGTTTCCCTCCAGAAACTGGATAGTATTCCACCTTATATCGATCCACACTGTCAGAAGG-3'

ClinVar aggregate classification (germline): Pathogenic (1 of 4 stars; one submission).

Conditions:
Ullrich congenital muscular dystrophy 2 (UCMD2). Identifiers: Orphanet 75840, MedGen C4225314, MONDO:0014654, OMIM 616470.
Bethlem myopathy 2 (BTHLM2). Identifiers: Orphanet 536516, Orphanet 610, MedGen C4225313, MONDO:0034022, OMIM 616471.

Submission:

Labcorp Genetics (formerly Invitae), Labcorp
Classification: Pathogenic for Bethlem myopathy 2; Ullrich congenital muscular dystrophy 2. Last evaluated: 2022-05-05. Review status: criteria provided, single submitter. Criteria: Invitae Variant Classification Sherloc (09022015). Collection method: clinical testing. Allele origin: germline.
Comment: For these reasons, this variant has been classified as Pathogenic. This variant has not been reported in the literature in individuals affected with COL12A1-related conditions. This variant is not present in population databases (gnomAD no frequency). This sequence change creates a premature translational stop signal (p.Gln1428*) in the COL12A1 gene. It is expected to result in an absent or disrupted protein product. Loss-of-function variants in COL12A1 are known to be pathogenic (PMID: 24334604, 28973083).

Literature cited by the submitters: PubMed 24334604; PubMed 28973083.